The following is an entry in ClinVar:

NM_006031.6(PCNT):c.9624A>C (p.Arg3208Ser)

Gene: PCNT (pericentrin; plus strand). Cytogenetic location: 21q22.3.
Variant type: single nucleotide variant.
Coding change: c.9624A>C on transcript NM_006031.6 (MANE Select); coding-DNA position 9624, A replaced by C.
Protein change: p.Arg3208Ser; replaces arginine 3208 with serine.
Molecular consequence: missense variant.
Genome position (GRCh38, 1-based): chr21:46,442,497, A>C. VCF-style: chr21-46442497-A-C. GRCh37 (hg19) VCF-style: chr21-47862410-A-C.
Other names: c.9033A>C, p.Arg3011Ser (NM_001315529.2); short protein forms R3011S, R3208S.
Identifiers: ClinVar variation 2235794 (VCV002235794.6), dbSNP rs751457010, ClinGen allele CA10081397.

ClinVar aggregate classification (germline): Uncertain significance. Review status: criteria provided, multiple submitters, no conflicts (2 of 4 stars). 2 submissions from 2 submitters: Uncertain significance (2). Last evaluated 2026-06-15.

Conditions:
PCNT-related disorder. Also called: PCNT-related condition.
Inborn genetic diseases. Identifiers: MedGen C0950123, MeSH D030342.

Allele frequency attached by ClinVar (database versions not stated): gnomAD 0.00007.
gnomAD v4.1: 15 of 1,595,964 alleles (0.00094%); highest among the groups gnomAD compares: African/African-American, 0.02%; no homozygotes.

Submissions (2):

PreventionGenetics, part of Exact Sciences
Classification: Uncertain significance for PCNT-related condition. Last evaluated: 2026-06-15. Review status: criteria provided, single submitter. Criteria: ACMG Guidelines, 2015. Collection method: clinical testing. Allele origin: germline.
Comment: The PCNT c.9624A>C variant is predicted to result in the amino acid substitution p.Arg3208Ser. To our knowledge, this variant has not been reported in the literature. This variant is reported in 0.028% of alleles in individuals of African descent in gnomAD. At this time, the clinical significance of this variant is uncertain due to the absence of conclusive functional and genetic evidence.

Ambry Genetics
Classification: Uncertain significance for Inborn genetic diseases. Last evaluated: 2021-07-09. Review status: criteria provided, single submitter. Criteria: Ambry Variant Classification Scheme 2023. Collection method: clinical testing. Allele origin: germline.